The following is an entry in ClinVar:

NM_005670.4(EPM2A):c.499G>C (p.Gly167Arg)

Gene: EPM2A (EPM2A glucan phosphatase, laforin; minus strand). Cytogenetic location: 6q24.3.
Variant type: single nucleotide variant.
Coding change: c.499G>C on transcript NM_005670.4 (MANE Select); coding-DNA position 499, G replaced by C.
Protein change: p.Gly167Arg; replaces glycine 167 with arginine.
Molecular consequence: missense variant. On other transcripts: intron variant (1).
Genome position (GRCh38, 1-based): chr6:145,635,464, C>G on the plus strand (G>C on the coding strand, the complement: EPM2A is on the minus strand). VCF-style: chr6-145635464-C-G. GRCh37 (hg19) VCF-style: chr6-145956600-C-G.
Other names: c.499G>C, p.Gly167Arg (NM_001018041.2, NM_001368130.1); c.85G>C, p.Gly29Arg (NM_001360064.2, NM_001360071.2, NM_001368131.1); c.37G>C, p.Gly13Arg (NM_001368129.2, NM_001368132.1); c.477-7771G>C (NM_001360057.2); short protein forms G13R, G167R, G29R.
Identifiers: ClinVar variation 931174 (VCV000931174.3), dbSNP rs1776588836, ClinGen allele CA366191559.

ClinVar aggregate classification (germline): Uncertain significance (1 of 4 stars; one submission).

Conditions:
Lafora disease. Also called: Epilepsy progressive myoclonic 2. Identifiers: Orphanet 501, MedGen C0751783, MONDO:0009697.

Submission:

Centre for Mendelian Genomics, University Medical Centre Ljubljana
Classification: Uncertain significance for Myoclonic epilepsy of Lafora 1. Last evaluated: 2019-04-09. Review status: criteria provided, single submitter. Criteria: ACMG Guidelines, 2015. Collection method: clinical testing. Allele origin: unknown. Affected: yes.
Comment: This variant was classified as: Uncertain significance. The available evidence on this variant's pathogenicity is insufficient or conflicting. The following ACMG criteria were applied in classifying this variant: PM2,PP3.